The following is an entry in ClinVar:

NM_001127644.2(GABRA1):c.384C>G (p.Phe128Leu)

Gene: GABRA1 (gamma-aminobutyric acid type A receptor subunit alpha1; plus strand). Cytogenetic location: 5q34.
Variant type: single nucleotide variant.
Coding change: c.384C>G on transcript NM_001127644.2 (MANE Select); coding-DNA position 384, C replaced by G.
Protein change: p.Phe128Leu; replaces phenylalanine 128 with leucine.
Molecular consequence: missense variant.
Genome position (GRCh38, 1-based): chr5:161,873,245, C>G. VCF-style: chr5-161873245-C-G. GRCh37 (hg19) VCF-style: chr5-161300251-C-G.
Other names: c.384C>G, p.Phe128Leu (NM_000806.5, NM_001127643.2, NM_001127645.2 and 1 more transcripts); short protein forms F128L.
Identifiers: ClinVar variation 3905778 (VCV003905778.10).
Genomic context (GRCh38, chr5:161,873,245, plus strand): 5'-GACAGTCCTCCGGTTAAATAACCTAATGGCAAGTAAAATCTGGACTCCGGACACATTTTT[C>G]CACAATGGAAAGAAGTCAGTGGCCCACAACATGACCATGCCCAACAAACTCCTGCGGATC-3'
Protein context (NP_001121116.1, residues 118-138): ASKIWTPDTF[Phe128Leu]HNGKKSVAHN

ClinVar aggregate classification (germline): Uncertain significance (1 of 4 stars; one submission).

gnomAD v4.1: 2 of 1,613,912 alleles (0.00012%); highest among the groups gnomAD compares: Non-Finnish European, 0.00017%; no homozygotes.

Submission:

CeGaT Center for Human Genetics Tuebingen
Classification: Uncertain significance. Last evaluated: 2025-04-01. Review status: criteria provided, single submitter. Criteria: CeGaT Center For Human Genetics Tuebingen Variant Classification Criteria Version 2. Collection method: clinical testing. Allele origin: germline. Affected: yes. Observed: 1 variant allele.
Comment: GABRA1: PP2